The following is an entry in ClinVar:

NM_001165963.4(SCN1A):c.3106_3107del (p.Gln1036fs)

Genes: SCN1A (sodium voltage-gated channel alpha subunit 1; minus strand), LOC102724058 (uncharacterized LOC102724058; plus strand). Cytogenetic location: 2q24.3.
Variant type: Deletion.
Coding change: c.3106_3107del on transcript NM_001165963.4 (MANE Select); coding-DNA positions 3106 to 3107, 2 bases deleted (CA; older notation c.3106_3107delCA).
Protein change: p.Gln1036fs; shifts the reading frame from glutamine 1036.
Molecular consequence: frameshift variant. On other transcripts: non-coding transcript variant (2).
Genome position (GRCh38, 1-based): chr2:166,036,370-166,036,371, TG deleted on the plus strand (CA on the coding strand, the reverse complement: SCN1A is on the minus strand); deleting any 2 consecutive bases within chr2:166,036,370-166,036,372 gives the same sequence; the c. name uses the placement nearest the transcript's 3' end. VCF-style (leftmost placement, unchanged base first): chr2-166036369-CTG-C. GRCh37 (hg19) VCF-style: chr2-166892879-CTG-C.
Other names: c.3022_3023del, p.Gln1008fs (NM_001165964.3, NM_001353957.2, NM_001353958.2); c.3106_3107del, p.Gln1036fs (NM_001202435.3, NM_001353948.2); c.3073_3074del, p.Gln1025fs (NM_001353949.2, NM_001353950.2, NM_001353951.2 and 2 more transcripts); c.3070_3071del, p.Gln1024fs (NM_001353954.2, NM_001353955.2); c.3019_3020del, p.Gln1007fs (NM_001353960.2); c.664_665del, p.Gln222fs (NM_001353961.2); c.3106_3107del (NM_001165963.3); short protein forms Q1024fs, Q1036fs, Q222fs, Q1007fs, Q1008fs, Q1025fs.
Identifiers: ClinVar variation 933574 (VCV000933574.11), dbSNP rs1696373154, ClinGen allele CA1139657307.

ClinVar aggregate classification (germline): Pathogenic/Likely pathogenic. Review status: criteria provided, multiple submitters, no conflicts (2 of 4 stars). 2 submissions from 2 submitters: Pathogenic (1); Likely pathogenic (1). Last evaluated 2022-03-14.

Conditions:
Early-infantile DEE. Also called: Early infantile epileptic encephalopathy; Early infantile epileptic encephalopathy with suppression bursts; Ohtahara syndrome. Identifiers: Orphanet 1934, MedGen C0393706, MONDO:0800491.

Submissions (2):

Revvity Omics, Revvity
Classification: Likely pathogenic. Last evaluated: 2022-03-14. Review status: criteria provided, single submitter. Criteria: ACMG Guidelines, 2015. Collection method: clinical testing. Allele origin: germline.

Labcorp Genetics (formerly Invitae), Labcorp
Classification: Pathogenic for Early-infantile DEE. Last evaluated: 2019-08-29. Review status: criteria provided, single submitter. Criteria: Invitae Variant Classification Sherloc (09022015). Collection method: clinical testing. Allele origin: germline.
Comment: For these reasons, this variant has been classified as Pathogenic. Loss-of-function variants in SCN1A are known to be pathogenic (PMID: 17347258, 18930999). This variant has not been reported in the literature in individuals with SCN1A-related conditions. This variant is not present in population databases (ExAC no frequency). This sequence change creates a premature translational stop signal (p.Gln1036Valfs*4) in the SCN1A gene. It is expected to result in an absent or disrupted protein product.

Literature cited by the submitters: PubMed 17347258 (cited by Labcorp Genetics (formerly Invitae), Labcorp); PubMed 18930999 (cited by Labcorp Genetics (formerly Invitae), Labcorp).